The following is an entry in ClinVar:

NM_025114.4(CEP290):c.1972A>G (p.Ile658Val)

Gene: CEP290 (centrosomal protein 290; minus strand). Cytogenetic location: 12q21.32.
Variant type: single nucleotide variant.
Coding change: c.1972A>G on transcript NM_025114.4 (MANE Select); coding-DNA position 1972, A replaced by G.
Protein change: p.Ile658Val; replaces isoleucine 658 with valine.
Molecular consequence: missense variant.
Genome position (GRCh38, 1-based): chr12:88,114,500, T>C on the plus strand (A>G on the coding strand, the complement: CEP290 is on the minus strand). VCF-style: chr12-88114500-T-C. GRCh37 (hg19) VCF-style: chr12-88508277-T-C.
Other names: short protein forms I658V.
Identifiers: ClinVar variation 852149 (VCV000852149.7), dbSNP rs2038919900, ClinGen allele CA385976897.

ClinVar aggregate classification (germline): Uncertain significance (1 of 4 stars; one submission).

Conditions:
Meckel-Gruber syndrome. Also called: DYSENCEPHALIA SPLANCHNOCYSTICA; GRUBER SYNDROME; Dysencephalia splachnocystica. Identifiers: Orphanet 564, MedGen C0265215, MONDO:0018921.
Nephronophthisis. Also called: Juvenile Nephronophthisis. Identifiers: Orphanet 655, MedGen C0687120, MONDO:0019005, HP:0000090.
Joubert syndrome. Also called: CEREBELLOPARENCHYMAL DISORDER IV; JOUBERT-BOLTSHAUSER SYNDROME; Familial aplasia of the vermis. Identifiers: Orphanet 475, MedGen C5979921, MONDO:0018772.

Submission:

Labcorp Genetics (formerly Invitae), Labcorp
Classification: Uncertain significance for Joubert syndrome; Meckel-Gruber syndrome; Nephronophthisis. Last evaluated: 2022-06-20. Review status: criteria provided, single submitter. Criteria: Invitae Variant Classification Sherloc (09022015). Collection method: clinical testing. Allele origin: germline.
Comment: This sequence change replaces isoleucine, which is neutral and non-polar, with valine, which is neutral and non-polar, at codon 658 of the CEP290 protein (p.Ile658Val). This variant is not present in population databases (gnomAD no frequency). This variant has not been reported in the literature in individuals affected with CEP290-related conditions. ClinVar contains an entry for this variant (Variation ID: 852149). Algorithms developed to predict the effect of missense changes on protein structure and function are either unavailable or do not agree on the potential impact of this missense change (SIFT: "Tolerated"; PolyPhen-2: "Possibly Damaging"; Align-GVGD: "Class C0"). In summary, the available evidence is currently insufficient to determine the role of this variant in disease. Therefore, it has been classified as a Variant of Uncertain Significance.